The following is an entry in ClinVar:

NM_001171613.2(PREPL):c.402G>C (p.Arg134Ser)

Gene: PREPL (prolyl endopeptidase like; minus strand). Cytogenetic location: 2p21.
Variant type: single nucleotide variant.
Coding change: c.402G>C on transcript NM_001171613.2 (MANE Select); coding-DNA position 402, G replaced by C.
Protein change: p.Arg134Ser; replaces arginine 134 with serine.
Molecular consequence: missense variant.
Genome position (GRCh38, 1-based): chr2:44,342,500, C>G on the plus strand (G>C on the coding strand, the complement: PREPL is on the minus strand). VCF-style: chr2-44342500-C-G. GRCh37 (hg19) VCF-style: chr2-44569639-C-G.
Other names: c.669G>C, p.Arg223Ser (NM_001042385.2, NM_001042386.2, NM_001171603.1 and 4 more transcripts); c.402G>C, p.Arg134Ser (NM_001171617.1, NM_001374277.1); short protein forms R223S, R134S.
Identifiers: ClinVar variation 954285 (VCV000954285.9), dbSNP rs769834327, ClinGen allele CA346692887.
Genomic context (GRCh38, chr2:44,342,500, plus strand): 5'-GCGTTCATTACGTTTGTTATCACCAAAAGTGGCTCGATATACGTCATGACAGCGAAGGTT[C>G]CTCTGGAAGGTGTAGAATAAAACATCTTCATCTTCCTCGTCCTTTACCCATTCTGAAAGA-3'
Protein context (NP_001165084.1, residues 124-144): DEDVLFYTFQ[Arg134Ser]NLRCHDVYRA

ClinVar aggregate classification (germline): Uncertain significance (1 of 4 stars; one submission).

Conditions:
Myasthenic syndrome, congenital, 22 (CMS22). Also called: PREPL DEFICIENCY. Identifiers: MedGen C4479088, MONDO:0044299, OMIM 616224.

Allele frequency attached by ClinVar (database versions not stated): TOPMed below 0.00001.

Submission:

Labcorp Genetics (formerly Invitae), Labcorp
Classification: Uncertain significance for Myasthenic syndrome, congenital, 22. Last evaluated: 2019-08-13. Review status: criteria provided, single submitter. Criteria: Invitae Variant Classification Sherloc (09022015). Collection method: clinical testing. Allele origin: germline.
Comment: This variant has not been reported in the literature in individuals with PREPL-related conditions. Algorithms developed to predict the effect of missense changes on protein structure and function (SIFT, PolyPhen-2, Align-GVGD) all suggest that this variant is likely to be tolerated, but these predictions have not been confirmed by published functional studies and their clinical significance is uncertain. In summary, the available evidence is currently insufficient to determine the role of this variant in disease. Therefore, it has been classified as a Variant of Uncertain Significance. This variant is not present in population databases (ExAC no frequency). This sequence change replaces arginine with serine at codon 223 of the PREPL protein (p.Arg223Ser). The arginine residue is moderately conserved and there is a moderate physicochemical difference between arginine and serine.